The following is an entry in ClinVar:

ClinVar aggregate classification (germline): Pathogenic (1 of 4 stars; one submission).

Conditions:
Hypertrophic cardiomyopathy 4. Also called: Familial hypertrophic cardiomyopathy 4. Identifiers: MedGen C1861862, MONDO:0007268, OMIM 115197.

Submission:

Molecular Genetics Laboratory, Motol Hospital
Classification: Pathogenic for Hypertrophic cardiomyopathy 4. Last evaluated: 2026-06-04. Review status: criteria provided, single submitter. Criteria: ACMG Guidelines, 2015. Collection method: clinical testing. Allele origin: germline. Affected: yes. Observed: 1 variant allele.
Comment: A rare variant not present in non-Finnish European population (PM2). Rare truncating variants in the MYBPC3 gene are associated with autosomal dominant familial hypertrophic cardiomyopathy (PVS1). The variant is classified as pathogenic.

Literature cited by the submitters: PubMed 30586709; PubMed 11499719.

NM_000256.3(MYBPC3):c.2215G>T (p.Glu739Ter)

Gene: MYBPC3 (myosin binding protein C3; minus strand). Cytogenetic location: 11p11.2.
Variant type: single nucleotide variant.
Coding change: c.2215G>T on transcript NM_000256.3 (MANE Select); coding-DNA position 2215, G replaced by T.
Protein change: p.Glu739Ter; replaces glutamic acid 739 with a stop codon.
Molecular consequence: nonsense.
Genome position (GRCh38, 1-based): chr11:47,338,613, C>A on the plus strand (G>T on the coding strand, the complement: MYBPC3 is on the minus strand). VCF-style: chr11-47338613-C-A. GRCh37 (hg19) VCF-style: chr11-47360164-C-A.
Other names: short protein forms E739*.
Identifiers: ClinVar variation 4856628 (VCV004856628.1).